The following is an entry in ClinVar:

ClinVar aggregate classification (germline): Likely benign. Review status: criteria provided, multiple submitters, no conflicts (2 of 4 stars). 3 submissions from 3 submitters: Likely benign (2). 1 of the submissions does not count toward it. Last evaluated 2024-09-18.

Conditions:
TTBK2-related disorder. Also called: TTBK2-related condition.

Allele frequency attached by ClinVar (database versions not stated): ExAC 0.00001; TOPMed 0.00002; gnomAD 0.00003; gnomAD exomes 0.00003.
gnomAD v4.1: 41 of 1,614,100 alleles (0.0025%); highest among the groups gnomAD compares: Non-Finnish European, 0.0033%; no homozygotes.

Submissions (3):

Labcorp Genetics (formerly Invitae), Labcorp
Classification: Likely benign. Last evaluated: 2024-09-18. Review status: criteria provided, single submitter. Criteria: Invitae Variant Classification Sherloc (09022015). Collection method: clinical testing. Allele origin: germline.

CeGaT Center for Human Genetics Tuebingen
Classification: Likely benign. Last evaluated: 2023-03-01. Review status: criteria provided, single submitter. Criteria: CeGaT Center For Human Genetics Tuebingen Variant Classification Criteria Version 2. Collection method: clinical testing. Allele origin: germline. Affected: yes. Observed: 1 variant allele.
Comment: TTBK2: BP4, BP7

PreventionGenetics, part of Exact Sciences
Classification: Likely benign for TTBK2-related condition. Last evaluated: 2021-02-16. Review status: no assertion criteria provided. Collection method: clinical testing. Allele origin: germline. Not counted in ClinVar's aggregate classification.
Comment: This variant is classified as likely benign based on ACMG/AMP sequence variant interpretation guidelines (Richards et al. 2015 PMID: 25741868, with internal and published modifications).

NM_173500.4(TTBK2):c.2889T>C (p.Ser963=)

Gene: TTBK2 (tau tubulin kinase 2; minus strand). Cytogenetic location: 15q15.2.
Variant type: single nucleotide variant.
Coding change: c.2889T>C on transcript NM_173500.4 (MANE Select); coding-DNA position 2889, T replaced by C.
Protein change: p.Ser963=; no amino-acid change (serine 963 retained).
Molecular consequence: synonymous variant.
Genome position (GRCh38, 1-based): chr15:42,752,357, A>G on the plus strand (T>C on the coding strand, the complement: TTBK2 is on the minus strand). VCF-style: chr15-42752357-A-G. GRCh37 (hg19) VCF-style: chr15-43044555-A-G.
Identifiers: ClinVar variation 2498607 (VCV002498607.31), dbSNP rs754220583, ClinGen allele CA7516670.